The following is an entry in ClinVar:

ClinVar aggregate classification (germline): Uncertain significance (1 of 4 stars; one submission).

Conditions:
Aortic valve disease 2 (AOVD2). Identifiers: MedGen C3542024, MONDO:0013902, OMIM 614823.

Submission:

Labcorp Genetics (formerly Invitae), Labcorp
Classification: Uncertain significance for Aortic valve disease 2. Last evaluated: 2024-09-03. Review status: criteria provided, single submitter. Criteria: Invitae Variant Classification Sherloc (09022015). Collection method: clinical testing. Allele origin: germline.
Comment: This sequence change creates a premature translational stop signal (p.Leu9Trpfs*55) in the SMAD6 gene. It is expected to result in an absent or disrupted protein product. However, the current clinical and genetic evidence is not sufficient to establish whether loss-of-function variants in SMAD6 cause disease. This variant is not present in population databases (gnomAD no frequency). This variant has not been reported in the literature in individuals affected with SMAD6-related conditions. In summary, the available evidence is currently insufficient to determine the role of this variant in disease. Therefore, it has been classified as a Variant of Uncertain Significance.

NM_005585.5(SMAD6):c.25del (p.Leu9fs)

Gene: SMAD6 (SMAD family member 6; plus strand). Cytogenetic location: 15q22.31.
Variant type: Deletion.
Coding change: c.25del on transcript NM_005585.5 (MANE Select); coding-DNA position 25, one base deleted (C; older notation c.25delC).
Protein change: p.Leu9fs; shifts the reading frame from leucine 9.
Molecular consequence: frameshift variant. On other transcripts: non-coding transcript variant (1).
Genome position (GRCh38, 1-based): chr15:66,703,283, C deleted. VCF-style (leftmost placement, unchanged base first): chr15-66703282-GC-G. GRCh37 (hg19) VCF-style: chr15-66995620-GC-G.
Other names: short protein forms L9fs.
Identifiers: ClinVar variation 3664375 (VCV003664375.2).